The following is an entry in ClinVar:

ClinVar aggregate classification (germline): Uncertain significance. Review status: reviewed by expert panel (3 of 4 stars). 3 submissions from 3 submitters: Uncertain significance (1). 2 of the submissions do not count toward it. Last evaluated 2025-04-11.

Conditions:
Arginine:glycine amidinotransferase deficiency (CCDS3). Also called: L-Arginine:Glycine Amidinotransferase Deficiency; Cerebral creatine deficiency syndrome 3; L-Arginine:Glycine Amidinotransferase (AGAT) Deficiency; AGAT deficiency; Creatine deficiency syndrome due to AGAT deficiency; GATM deficiency. Identifiers: Orphanet 35704, MedGen C2675179, MONDO:0012996, OMIM 612718.
Fanconi renotubular syndrome 1. Also called: FRTS1; Toni-Debre-Fanconi syndrome; Neonatal De Toni-Debre-Fanconi syndrome; De Toni-Fanconi syndrome; LUDER-SHELDON SYNDROME. Identifiers: MedGen C4551503, MONDO:0024525, OMIM 134600.

Allele frequency attached by ClinVar (database versions not stated): gnomAD 0.00001; gnomAD exomes 0.00001; ExAC 0.00002; TOPMed 0.00002; ESP Exome Variant Server 0.00008.
gnomAD v4.1: 9 of 1,613,988 alleles (0.00056%); highest among the groups gnomAD compares: East Asian, 0.0067%; no homozygotes.

Submissions (4):

ClinGen Cerebral Creatine Deficiency Syndromes Variant Curation Expert Panel, ClinGen
Classification: Uncertain significance for Arginine:glycine amidinotransferase deficiency. Last evaluated: 2025-04-11. Review status: reviewed by expert panel. Criteria: ClinGen CCDS ACMG Specifications GATM V2.0.0. Collection method: curation. Allele origin: germline. Inheritance: Autosomal recessive inheritance.
Comment: The NM_001482.3:c.565C>T variant in GATM is a missense variant that is predicted to result in the substitution of arginine by cysteine at amino acid 189 (p.Arg189Cys). To our knowledge, this variant has not been reported in individuals with AGAT deficiency in the published literature. The highest population minor allele frequency in gnomAD v4.1.0. is 0.00006683 (3/44888 alleles) in the East Asian population. This is higher than the ClinGen CCDS VCEP’s threshold for PM2_Supporting (<0.000055), and lower than the threshold for BS1 (Grpmax >0.0001). Therefore, none of the population data codes are met. When overexpressed in HeLa cells, the variant resulted in <10% of wild-type enzyme activity (PMID: 27233232) (PS3_Supporting). The computational predictor REVEL gives a score of [0.881] which is above the threshold of 0.773, evidence that correlates with impact to IDUA function at the moderate level based on the specifications of the ClinGen Lysosomal Diseases VCEP (PMID: 36413997) (PP3_Moderate). There is a ClinVar entry for this variant (Variation ID: 225915). In summary, this variant meets the criteria to be classified as a variant of uncertain significance for AGAT deficiency. GATM-specific ACMG/AMP criteria applied, as specified by the ClinGen CCDS VCEP (Specifications Version 2.0.0.): PS3_Supporting, PP3_Moderate. (Classification approved by the ClinGen CCDS VCEP on April 11, 2025).

Labcorp Genetics (formerly Invitae), Labcorp
Classification: Uncertain significance for Arginine:glycine amidinotransferase deficiency. Last evaluated: 2023-12-27. Review status: criteria provided, single submitter. Criteria: Invitae Variant Classification Sherloc (09022015). Collection method: clinical testing. Allele origin: germline. Not counted in ClinVar's aggregate classification.
Comment: This sequence change replaces arginine, which is basic and polar, with cysteine, which is neutral and slightly polar, at codon 189 of the GATM protein (p.Arg189Cys). This variant is present in population databases (rs377578020, gnomAD 0.007%). This variant has not been reported in the literature in individuals affected with GATM-related conditions. ClinVar contains an entry for this variant (Variation ID: 225915). Advanced modeling of protein sequence and biophysical properties (such as structural, functional, and spatial information, amino acid conservation, physicochemical variation, residue mobility, and thermodynamic stability) performed at Invitae indicates that this missense variant is expected to disrupt GATM protein function with a positive predictive value of 80%. Experimental studies have shown that this missense change affects GATM function (PMID: 27233232). In summary, the available evidence is currently insufficient to determine the role of this variant in disease. Therefore, it has been classified as a Variant of Uncertain Significance.

Fulgent Genetics
Classification: Uncertain significance for Fanconi renotubular syndrome 1; Arginine:glycine amidinotransferase deficiency. Last evaluated: 2022-02-19. Review status: criteria provided, single submitter. Criteria: ACMG Guidelines, 2015. Collection method: clinical testing. Allele origin: unknown. Not counted in ClinVar's aggregate classification.

Hospital for Sick Children
No classification provided (evidence only). Review status: no classification provided. Collection method: in vitro. Allele origin: not applicable. Functional consequence: variation affecting protein function. Not counted in ClinVar's aggregate classification.
ClinVar note: "not provided" was previously submitted as the classification for the variant. However, the classification appeared to be based only on an observation of functional data so it was converted to no classification on 2025-07-30.

Literature cited by the submitters: PubMed 27233232 (cited by Labcorp Genetics (formerly Invitae), Labcorp and Hospital for Sick Children).

NM_001482.3(GATM):c.565C>T (p.Arg189Cys)

Gene: GATM (glycine amidinotransferase; minus strand). Cytogenetic location: 15q21.1.
Variant type: single nucleotide variant.
Coding change: c.565C>T on transcript NM_001482.3 (MANE Select); coding-DNA position 565, C replaced by T.
Protein change: p.Arg189Cys; replaces arginine 189 with cysteine.
Molecular consequence: missense variant.
Genome position (GRCh38, 1-based): chr15:45,368,180, G>A on the plus strand (C>T on the coding strand, the complement: GATM is on the minus strand). VCF-style: chr15-45368180-G-A. GRCh37 (hg19) VCF-style: chr15-45660378-G-A.
Other names: NM_001482.3(GATM):c.565C>T; p.Arg189Cys; c.178C>T, p.Arg60Cys (NM_001321015.2); short protein forms R189C, R60C.
Identifiers: ClinVar variation 225915 (VCV000225915.11), dbSNP rs377578020, ClinGen allele CA7542898.